The following is an entry in ClinVar:

ClinVar aggregate classification (germline): Uncertain significance (1 of 4 stars; one submission).

Conditions:
Intellectual developmental disorder, autosomal dominant 1. Also called: MBD5 Haploinsufficiency; Intellectual disability, autosomal dominant 1. Identifiers: Orphanet 228402, MedGen C1969562, MONDO:0007974, OMIM 156200.

Submission:

Labcorp Genetics (formerly Invitae), Labcorp
Classification: Uncertain significance for Intellectual developmental disorder, autosomal dominant 1. Last evaluated: 2024-03-13. Review status: criteria provided, single submitter. Criteria: Invitae Variant Classification Sherloc (09022015). Collection method: clinical testing. Allele origin: germline.
Comment: This sequence change replaces proline, which is neutral and non-polar, with histidine, which is basic and polar, at codon 753 of the MBD5 protein (p.Pro753His). This variant is not present in population databases (gnomAD no frequency). This variant has not been reported in the literature in individuals affected with MBD5-related conditions. Advanced modeling of protein sequence and biophysical properties (such as structural, functional, and spatial information, amino acid conservation, physicochemical variation, residue mobility, and thermodynamic stability) performed at Invitae indicates that this missense variant is not expected to disrupt MBD5 protein function with a negative predictive value of 80%. In summary, the available evidence is currently insufficient to determine the role of this variant in disease. Therefore, it has been classified as a Variant of Uncertain Significance.

NM_001378120.1(MBD5):c.2258C>A (p.Pro753His)

Gene: MBD5 (methyl-CpG binding domain protein 5; plus strand). Cytogenetic location: 2q23.1.
Variant type: single nucleotide variant.
Coding change: c.2258C>A on transcript NM_001378120.1 (MANE Select); coding-DNA position 2258, C replaced by A.
Protein change: p.Pro753His; replaces proline 753 with histidine.
Molecular consequence: missense variant.
Genome position (GRCh38, 1-based): chr2:148,470,201, C>A. VCF-style: chr2-148470201-C-A. GRCh37 (hg19) VCF-style: chr2-149227770-C-A.
Other names: c.2258C>A, p.Pro753His (NM_018328.5); short protein forms P753H.
Identifiers: ClinVar variation 3645673 (VCV003645673.2).